The following is an entry in ClinVar:

ClinVar aggregate classification (germline): Uncertain significance. Review status: criteria provided, multiple submitters, no conflicts (2 of 4 stars). 2 submissions from 2 submitters: Uncertain significance (2). Last evaluated 2025-09-28.

Conditions:
Hereditary breast ovarian cancer syndrome. Also called: Hereditary breast and ovarian cancer syndrome (HBOC); Hereditary breast and/or ovarian cancer syndrome; Breast and ovarian cancer; Hereditary breast and ovarian cancer syndrome; Hereditary breast and ovarian cancer; BRCA1- and BRCA2-Associated Hereditary Breast and Ovarian Cancer. Identifiers: Orphanet 145, MedGen C0677776, MeSH D061325, MONDO:0003582. Disease mechanism: loss of function.
Hereditary cancer-predisposing syndrome. Also called: Hereditary Cancer Syndrome; Hereditary neoplastic syndrome; Neoplastic Syndromes, Hereditary; Tumor predisposition. Identifiers: Orphanet 140162, MedGen C0027672, MeSH D009386, MONDO:0015356.

Submissions (2):

Labcorp Genetics (formerly Invitae), Labcorp
Classification: Uncertain significance for Hereditary breast ovarian cancer syndrome. Last evaluated: 2025-09-28. Review status: criteria provided, single submitter. Criteria: Invitae Variant Classification Sherloc (09022015). Collection method: clinical testing. Allele origin: germline.
Comment: This sequence change replaces isoleucine, which is neutral and non-polar, with serine, which is neutral and polar, at codon 2449 of the BRCA2 protein (p.Ile2449Ser). This variant is not present in population databases (gnomAD no frequency). This variant has not been reported in the literature in individuals affected with BRCA2-related conditions. Invitae Evidence Modeling of protein sequence and biophysical properties (such as structural, functional, and spatial information, amino acid conservation, physicochemical variation, residue mobility, and thermodynamic stability) indicates that this missense variant is not expected to disrupt BRCA2 protein function with a negative predictive value of 95%. In summary, the available evidence is currently insufficient to determine the role of this variant in disease. Therefore, it has been classified as a Variant of Uncertain Significance.

Ambry Genetics
Classification: Uncertain significance for Hereditary cancer-predisposing syndrome. Last evaluated: 2025-08-07. Review status: criteria provided, single submitter. Criteria: Ambry Variant Classification Scheme 2023. Collection method: clinical testing. Allele origin: germline.
Comment: The p.I2449S variant (also known as c.7346T>G), located in coding exon 13 of the BRCA2 gene, results from a T to G substitution at nucleotide position 7346. The isoleucine at codon 2449 is replaced by serine, an amino acid with dissimilar properties. This amino acid position is conserved. In addition, this alteration is predicted to be tolerated by in silico analysis. Based on the available evidence, the clinical significance of this variant remains unclear.

NM_000059.4(BRCA2):c.7346T>G (p.Ile2449Ser)

Gene: BRCA2 (BRCA2 DNA repair associated; plus strand). Cytogenetic location: 13q13.1.
Variant type: single nucleotide variant.
Coding change: c.7346T>G on transcript NM_000059.4 (MANE Select); coding-DNA position 7346, T replaced by G.
Protein change: p.Ile2449Ser; replaces isoleucine 2449 with serine.
Molecular consequence: missense variant. On other transcripts: non-coding transcript variant (1).
Genome position (GRCh38, 1-based): chr13:32,355,199, T>G. VCF-style: chr13-32355199-T-G. GRCh37 (hg19) VCF-style: chr13-32929336-T-G.
Other names: c.7250T>G, p.Ile2417Ser (NM_001406719.1); c.7346T>G, p.Ile2449Ser (NM_001406720.1, NM_001432077.1); c.2414T>G, p.Ile805Ser (NM_001406721.1); c.929T>G, p.Ile310Ser (NM_001406722.1); short protein forms I805S, I2417S, I2449S, I310S.
Identifiers: ClinVar variation 4215898 (VCV004215898.2).